The following is an entry in ClinVar:

NM_005188.4(CBL):c.266C>T (p.Pro89Leu)

Gene: CBL (Cbl proto-oncogene; plus strand). Cytogenetic location: 11q23.3.
Variant type: single nucleotide variant.
Coding change: c.266C>T on transcript NM_005188.4 (MANE Select); coding-DNA position 266, C replaced by T.
Protein change: p.Pro89Leu; replaces proline 89 with leucine.
Molecular consequence: missense variant.
Genome position (GRCh38, 1-based): chr11:119,232,518, C>T. VCF-style: chr11-119232518-C-T. GRCh37 (hg19) VCF-style: chr11-119103228-C-T.
Other names: short protein forms P89L.
Identifiers: ClinVar variation 4868291 (VCV004868291.1).

ClinVar aggregate classification (germline): Uncertain significance (1 of 4 stars; one submission).

Conditions:
Cardiovascular phenotype. Identifiers: MedGen CN230736.

Submission:

Ambry Genetics
Classification: Uncertain significance for Cardiovascular phenotype. Last evaluated: 2026-06-14. Review status: criteria provided, single submitter. Criteria: Ambry Variant Classification Scheme 2023. Collection method: clinical testing. Allele origin: germline.
Comment: The p.P89L variant (also known as c.266C>T), located in coding exon 2 of the CBL gene, results from a C to T substitution at nucleotide position 266. The proline at codon 89 is replaced by leucine, an amino acid with similar properties. This amino acid position is conserved. In addition, this alteration is predicted to be deleterious by in silico analysis. Based on the available evidence, the clinical significance of this variant remains unclear.